The following is an entry in ClinVar:

NM_000329.3(RPE65):c.1459del (p.Val486_Leu487insTer)

Gene: RPE65 (retinoid isomerohydrolase RPE65; minus strand). Cytogenetic location: 1p31.3.
Variant type: Deletion.
Coding change: c.1459del on transcript NM_000329.3 (MANE Select); coding-DNA position 1459, one base deleted (C; older notation c.1459delC).
Protein change: p.Val486_Leu487insTer.
Molecular consequence: nonsense. On other transcripts: frameshift variant (3).
Genome position (GRCh38, 1-based): chr1:68,429,919, G deleted on the plus strand (C on the coding strand, the reverse complement: RPE65 is on the minus strand). VCF-style (leftmost placement, unchanged base first): chr1-68429918-AG-A. GRCh37 (hg19) VCF-style: chr1-68895601-AG-A.
Other names: c.1351delC, p.Leu451Terfs (NM_001406853.1); c.1183delC, p.Leu395Terfs (NM_001406856.1, NM_001406857.1).
Identifiers: ClinVar variation 2019400 (VCV002019400.4), dbSNP rs2523396904, ClinGen allele CA2580063202.

ClinVar aggregate classification (germline): Pathogenic (1 of 4 stars; one submission).

Conditions:
Leber congenital amaurosis 2 (LCA2). Also called: Autosomal Recessive RPE65-Related Retinal Degeneration; AMAUROSIS CONGENITA OF LEBER II. Identifiers: Orphanet 65, MedGen C1859844, MONDO:0008765, OMIM 204100. Disease mechanism: loss of function.
Retinitis pigmentosa 20 (RP20). Identifiers: Orphanet 791, MedGen C3151086, MONDO:0013425, OMIM 613794.

Submission:

Labcorp Genetics (formerly Invitae), Labcorp
Classification: Pathogenic for Leber congenital amaurosis 2; Retinitis pigmentosa 20. Last evaluated: 2022-07-24. Review status: criteria provided, single submitter. Criteria: Invitae Variant Classification Sherloc (09022015). Collection method: clinical testing. Allele origin: germline.
Comment: This sequence change creates a premature translational stop signal (p.Leu487*) in the RPE65 gene. While this is not anticipated to result in nonsense mediated decay, it is expected to disrupt the last 47 amino acid(s) of the RPE65 protein. For these reasons, this variant has been classified as Pathogenic. This variant disrupts a region of the RPE65 protein in which other variant(s) (p.Tyr501Profs*10) have been determined to be pathogenic (PMID: 17964524; Invitae). This suggests that this is a clinically significant region of the protein, and that variants that disrupt it are likely to be disease-causing. This variant has not been reported in the literature in individuals affected with RPE65-related conditions. This variant is not present in population databases (gnomAD no frequency).

Literature cited by the submitters: PubMed 17964524.